The following is an entry in ClinVar:

ClinVar aggregate classification (germline): Uncertain significance (1 of 4 stars; one submission).

Submission:

Labcorp Genetics (formerly Invitae), Labcorp
Classification: Uncertain significance. Last evaluated: 2025-06-19. Review status: criteria provided, single submitter. Criteria: Invitae Variant Classification Sherloc (09022015). Collection method: clinical testing. Allele origin: germline.
Comment: This sequence change replaces serine, which is neutral and polar, with leucine, which is neutral and non-polar, at codon 660 of the DMXL2 protein (p.Ser660Leu). This variant is not present in population databases (gnomAD no frequency). This variant has not been reported in the literature in individuals affected with DMXL2-related conditions. ClinVar contains an entry for this variant (Variation ID: 2123581). An algorithm developed to predict the effect of missense changes on protein structure and function (PolyPhen-2) suggests that this variant is likely to be disruptive. In summary, the available evidence is currently insufficient to determine the role of this variant in disease. Therefore, it has been classified as a Variant of Uncertain Significance.

NM_001378457.1(DMXL2):c.1979C>T (p.Ser660Leu)

Gene: DMXL2 (Dmx like 2; minus strand). Cytogenetic location: 15q21.2.
Variant type: single nucleotide variant.
Coding change: c.1979C>T on transcript NM_001378457.1 (MANE Select); coding-DNA position 1979, C replaced by T.
Protein change: p.Ser660Leu; replaces serine 660 with leucine.
Molecular consequence: missense variant. On other transcripts: non-coding transcript variant (2).
Genome position (GRCh38, 1-based): chr15:51,536,501, G>A on the plus strand (C>T on the coding strand, the complement: DMXL2 is on the minus strand). VCF-style: chr15-51536501-G-A. GRCh37 (hg19) VCF-style: chr15-51828698-G-A.
Other names: c.1979C>T, p.Ser660Leu (NM_001174116.3, NM_001174117.3, NM_001378458.1 and 6 more transcripts); c.1739C>T, p.Ser580Leu (NM_001378464.1); short protein forms S580L, S660L.
Identifiers: ClinVar variation 2123581 (VCV002123581.4), dbSNP rs2548605868, ClinGen allele CA392466498.